The following is an entry in ClinVar:

NM_006236.3(POU3F3):c.365G>T (p.Trp122Leu)

Gene: POU3F3 (POU class 3 homeobox 3; plus strand). Cytogenetic location: 2q12.1.
Variant type: single nucleotide variant.
Coding change: c.365G>T on transcript NM_006236.3 (MANE Select); coding-DNA position 365, G replaced by T.
Protein change: p.Trp122Leu; replaces tryptophan 122 with leucine.
Molecular consequence: missense variant.
Genome position (GRCh38, 1-based): chr2:104,855,875, G>T. VCF-style: chr2-104855875-G-T. GRCh37 (hg19) VCF-style: chr2-105472333-G-T.
Other names: short protein forms W122L.
Identifiers: ClinVar variation 3901392 (VCV003901392.1).

ClinVar aggregate classification (germline): Uncertain significance (1 of 4 stars; one submission).

gnomAD v4.1: 1 of 1,061,556 alleles (0.000094%); highest among the groups gnomAD compares: Non-Finnish European, 0.00011%; no homozygotes.

Submission:

GeneDx
Classification: Uncertain significance. Last evaluated: 2024-12-04. Review status: criteria provided, single submitter. Criteria: GeneDx Variant Classification Process June 2021. Collection method: clinical testing. Allele origin: germline. Affected: yes.
Comment: Not observed at significant frequency in large population cohorts (gnomAD); In silico analysis supports that this missense variant has a deleterious effect on protein structure/function; Has not been previously published as pathogenic or benign to our knowledge